The following is an entry in ClinVar:

ClinVar aggregate classification (germline): Uncertain significance. Review status: criteria provided, multiple submitters, no conflicts (2 of 4 stars). 2 submissions from 2 submitters: Uncertain significance (2). Last evaluated 2024-09-24.

Allele frequency attached by ClinVar (database versions not stated): gnomAD 0.00006 and 0.00007; gnomAD exomes 0.00006 and 0.00008; TOPMed 0.00009; ExAC 0.00010.
gnomAD v4.1: 94 of 1,614,016 alleles (0.0058%); highest among the groups gnomAD compares: Non-Finnish European, 0.0069%; no homozygotes.

Submissions (2):

Blueprint Genetics
Classification: Uncertain significance. Last evaluated: 2024-09-24. Review status: criteria provided, single submitter. Criteria: ACMG Guidelines, 2015. Collection method: clinical testing. Allele origin: germline.

Labcorp Genetics (formerly Invitae), Labcorp
Classification: Uncertain significance. Last evaluated: 2022-05-06. Review status: criteria provided, single submitter. Criteria: Invitae Variant Classification Sherloc (09022015). Collection method: clinical testing. Allele origin: germline.
Comment: This sequence change replaces phenylalanine, which is neutral and non-polar, with cysteine, which is neutral and slightly polar, at codon 231 of the LIG1 protein (p.Phe231Cys). This variant is present in population databases (rs767343361, gnomAD 0.01%). This variant has not been reported in the literature in individuals affected with LIG1-related conditions. Algorithms developed to predict the effect of missense changes on protein structure and function are either unavailable or do not agree on the potential impact of this missense change (SIFT: "Tolerated"; PolyPhen-2: "Probably Damaging"; Align-GVGD: "Class C0"). In summary, the available evidence is currently insufficient to determine the role of this variant in disease. Therefore, it has been classified as a Variant of Uncertain Significance.

NM_000234.3(LIG1):c.692T>G (p.Phe231Cys)

Gene: LIG1 (DNA ligase 1; minus strand). Cytogenetic location: 19q13.33.
Variant type: single nucleotide variant.
Coding change: c.692T>G on transcript NM_000234.3 (MANE Select); coding-DNA position 692, T replaced by G.
Protein change: p.Phe231Cys; replaces phenylalanine 231 with cysteine.
Molecular consequence: missense variant. On other transcripts: non-coding transcript variant (6).
Genome position (GRCh38, 1-based): chr19:48,150,093, A>C on the plus strand (T>G on the coding strand, the complement: LIG1 is on the minus strand). VCF-style: chr19-48150093-A-C. GRCh37 (hg19) VCF-style: chr19-48653350-A-C.
Other names: c.599T>G, p.Phe200Cys (NM_001289063.2); c.488T>G, p.Phe163Cys (NM_001289064.2); c.689T>G, p.Phe230Cys (NM_001320970.2); c.602T>G, p.Phe201Cys (NM_001320971.2); short protein forms F163C, F201C, F200C, F230C, F231C.
Identifiers: ClinVar variation 1412712 (VCV001412712.4), dbSNP rs767343361, ClinGen allele CA9547182.
Genomic context (GRCh38, chr19:48,150,093, plus strand): 5'-CACCAGCCTCCTGCCTGTACAACCCCGGGAGGTGGGGTGAGCAAGGGAAACTCACTGAAG[A>C]AGCTGCTGAGCGTCTTGGGAGCTCTGCGGGGAGGCTTGGTCTGCTCTTCCTCCTCCTGCA-3'
Protein context (NP_000225.1, residues 221-241): PRRAPKTLSS[Phe231Cys]FTPRKPAVKK